The following is an entry in ClinVar:

ClinVar aggregate classification (germline): Conflicting classifications of pathogenicity. Review status: criteria provided, conflicting classifications (1 of 4 stars). 4 submissions from 4 submitters: Uncertain significance (1); Likely benign (3). Last evaluated 2026-01-27.

Allele frequency attached by ClinVar (database versions not stated): gnomAD exomes 0.00035; ExAC 0.00039; 1000 Genomes Project 30x 0.00094; 1000 Genomes Project 0.00100; gnomAD 0.00108 and 0.00120; ESP Exome Variant Server 0.00115; TOPMed 0.00145.
gnomAD v4.1: 345 of 1,609,380 alleles (0.021%); highest among the groups gnomAD compares: African/African-American, 0.41%; 1 homozygote.

Submissions (4):

Labcorp Genetics (formerly Invitae), Labcorp
Classification: Likely benign. Last evaluated: 2026-01-27. Review status: criteria provided, single submitter. Criteria: Invitae Variant Classification Sherloc (09022015). Collection method: clinical testing. Allele origin: germline.

GeneDx
Classification: Uncertain significance. Last evaluated: 2025-09-18. Review status: criteria provided, single submitter. Criteria: GeneDx Variant Classification Process June 2021. Collection method: clinical testing. Allele origin: germline. Affected: yes.
Comment: In silico analysis suggests that this missense variant does not alter protein structure/function; Has not been previously published as pathogenic or benign to our knowledge

CeGaT Center for Human Genetics Tuebingen
Classification: Likely benign. Last evaluated: 2024-11-01. Review status: criteria provided, single submitter. Criteria: CeGaT Center For Human Genetics Tuebingen Variant Classification Criteria Version 2. Collection method: clinical testing. Allele origin: germline. Affected: yes. Observed: 1 variant allele.
Comment: PTPN23: BP4

Blueprint Genetics
Classification: Likely benign. Last evaluated: 2024-09-11. Review status: criteria provided, single submitter. Criteria: ACMG Guidelines, 2015. Collection method: clinical testing. Allele origin: germline.

NM_015466.4(PTPN23):c.4618A>G (p.Ile1540Val)

Gene: PTPN23 (protein tyrosine phosphatase non-receptor type 23; plus strand). Cytogenetic location: 3p21.31.
Variant type: single nucleotide variant.
Coding change: c.4618A>G on transcript NM_015466.4 (MANE Select); coding-DNA position 4618, A replaced by G.
Protein change: p.Ile1540Val; replaces isoleucine 1540 with valine.
Molecular consequence: missense variant.
Genome position (GRCh38, 1-based): chr3:47,412,892, A>G. VCF-style: chr3-47412892-A-G. GRCh37 (hg19) VCF-style: chr3-47454382-A-G.
Other names: c.4240A>G, p.Ile1414Val (NM_001304482.2); short protein forms I1414V, I1540V.
Identifiers: ClinVar variation 1223381 (VCV001223381.29), dbSNP rs111852098, ClinGen allele CA2366651.